The following is an entry in ClinVar:

NM_024675.4(PALB2):c.3540_3543del (p.Ile1180fs)

Gene: PALB2 (partner and localizer of BRCA2; minus strand). Cytogenetic location: 16p12.2.
Variant type: Deletion.
Coding change: c.3540_3543del on transcript NM_024675.4 (MANE Select); coding-DNA positions 3540 to 3543, 4 bases deleted (ATTT; older notation c.3540_3543delATTT).
Protein change: p.Ile1180fs; shifts the reading frame from isoleucine 1180.
Molecular consequence: frameshift variant.
Genome position (GRCh38, 1-based): chr16:23,603,477-23,603,480, AAAT deleted on the plus strand (ATTT on the coding strand, the reverse complement: PALB2 is on the minus strand); deleting any 4 consecutive bases within chr16:23,603,477-23,603,481 gives the same sequence; the c. name uses the placement nearest the transcript's 3' end. VCF-style (leftmost placement, unchanged base first): chr16-23603476-CAAAT-C. GRCh37 (hg19) VCF-style: chr16-23614797-CAAAT-C.
Other names: c.3540_3543delATTT (NM_024675.3); short protein forms I1180fs.
Identifiers: ClinVar variation 2673907 (VCV002673907.1), dbSNP rs1567204932, ClinGen allele CA891843568.
Genomic context (GRCh38, chr16:23,603,476, plus strand): 5'-GGCCCAATATATCCAGAAAATTGTGTTTTCACTTTACCCTAACTTATGAATAGTGGTATA[CAAAT>C]ATATTTCCATCTTTTTGTCCAGCCAGCAAATGAGAGTCTGTACCCGACCATTTCACAAAA-3'

ClinVar aggregate classification (germline): Likely pathogenic (1 of 4 stars; one submission).

Conditions:
Familial cancer of breast. Also called: Hereditary breast cancer; BREAST CANCER, FAMILIAL; hereditary breast carcinoma. Identifiers: Orphanet 227535, MedGen C0346153, MONDO:0016419, OMIM 114480. Disease mechanism: loss of function.

Submission:

Myriad Genetics, Inc.
Classification: Likely pathogenic for Familial cancer of breast. Last evaluated: 2023-11-27. Review status: criteria provided, single submitter. Criteria: Myriad Autosomal Dominant, Autosomal Recessive and X-Linked Classification Criteria (2023). Collection method: clinical testing. Allele origin: unknown.
Comment: This variant is considered likely pathogenic. This variant creates a frameshift predicted to result in the incorporation of abnormal amino acid sequence into the protein product and abnormal protein elongation.